The following is an entry in ClinVar:

NM_000168.6(GLI3):c.2901del (p.Val968fs)

Gene: GLI3 (GLI family zinc finger 3; minus strand). Cytogenetic location: 7p14.1.
Variant type: Deletion.
Coding change: c.2901del on transcript NM_000168.6 (MANE Select); coding-DNA position 2901, one base deleted (C; older notation c.2901delC).
Protein change: p.Val968fs; shifts the reading frame from valine 968.
Molecular consequence: frameshift variant.
Genome position (GRCh38, 1-based): chr7:41,966,172, G deleted on the plus strand (C on the coding strand, the reverse complement: GLI3 is on the minus strand). VCF-style (leftmost placement, unchanged base first): chr7-41966171-CG-C. GRCh37 (hg19) VCF-style: chr7-42005769-CG-C.
Other names: short protein forms V968fs.
Identifiers: ClinVar variation 423178 (VCV000423178.2), dbSNP rs1064796278, ClinGen allele CA16618462.

ClinVar aggregate classification (germline): Likely pathogenic (1 of 4 stars; one submission).

Submission:

GeneDx
Classification: Likely pathogenic. Last evaluated: 2017-01-30. Review status: criteria provided, single submitter. Criteria: GeneDx Variant Classification (06012015). Collection method: clinical testing. Allele origin: germline. Affected: yes.
Comment: The c.2901delC variant in the GLI3 gene has not been reported previously as a pathogenic variant nor as a benign variant, to our knowledge. The c.2901delC variant causes a frameshift starting with codon Valine 968, changes this amino acid to a Tryptophan residue, and creates a premature Stop codon at position 35 of the new reading frame, denoted p.Val968TrpfsX35. This variant is predicted to cause loss of normal protein function through protein truncation as the last 613 amino acids of the protein are lost and replaced with 34 incorrect amino acids. The c.2901delC variant was not observed in the Exome Aggregation Consortium (ExAC) data set, indicating it is not a common benign variant. We interpret c.2901delC as a likely pathogenic variant